The following is an entry in ClinVar:

ClinVar aggregate classification (germline): Likely benign. Review status: criteria provided, multiple submitters, no conflicts (2 of 4 stars). 2 submissions from 2 submitters: Likely benign (2). Last evaluated 2026-01-24.

gnomAD v4.1: 9 of 1,613,800 alleles (0.00056%); highest among the groups gnomAD compares: Admixed American, 0.015%; no homozygotes.

Submissions (2):

Labcorp Genetics (formerly Invitae), Labcorp
Classification: Likely benign. Last evaluated: 2026-01-24. Review status: criteria provided, single submitter. Criteria: Invitae Variant Classification Sherloc (09022015). Collection method: clinical testing. Allele origin: germline.

CeGaT Center for Human Genetics Tuebingen
Classification: Likely benign. Last evaluated: 2025-11-01. Review status: criteria provided, single submitter. Criteria: CeGaT Center For Human Genetics Tuebingen Variant Classification Criteria Version 2. Collection method: clinical testing. Allele origin: germline. Affected: yes. Observed: 1 variant allele.
Comment: RHOBTB2: BP4, BP7

NM_015178.3(RHOBTB2):c.621A>G (p.Ala207=)

Gene: RHOBTB2 (Rho related BTB domain containing 2; plus strand). Cytogenetic location: 8p21.3.
Variant type: single nucleotide variant.
Coding change: c.621A>G on transcript NM_015178.3 (MANE Select); coding-DNA position 621, A replaced by G.
Protein change: p.Ala207=; no amino-acid change (alanine 207 retained).
Molecular consequence: synonymous variant.
Genome position (GRCh38, 1-based): chr8:23,006,866, A>G. VCF-style: chr8-23006866-A-G. GRCh37 (hg19) VCF-style: chr8-22864379-A-G.
Other names: c.687A>G, p.Ala229= (NM_001160036.2); c.642A>G, p.Ala214= (NM_001160037.2); c.621A>G, p.Ala207= (NM_001374791.1).
Identifiers: ClinVar variation 2729398 (VCV002729398.9), dbSNP rs139301917, ClinGen allele CA4672496.